The following is an entry in ClinVar:

NM_194248.3(OTOF):c.5180G>A (p.Arg1727Gln)

Genes: OTOF (otoferlin; minus strand), LOC112840921 (BRD4-independent group 4 enhancer GRCh37_chr2:26685720-26686919; plus strand). Cytogenetic location: 2p23.3.
Variant type: single nucleotide variant.
Coding change: c.5180G>A on transcript NM_194248.3 (MANE Select); coding-DNA position 5180, G replaced by A.
Protein change: p.Arg1727Gln; replaces arginine 1727 with glutamine.
Molecular consequence: missense variant.
Genome position (GRCh38, 1-based): chr2:26,463,495, C>T on the plus strand (G>A on the coding strand, the complement: OTOF is on the minus strand). VCF-style: chr2-26463495-C-T. GRCh37 (hg19) VCF-style: chr2-26686363-C-T.
Other names: c.5180G>A, p.Arg1727Gln (NM_001287489.2); c.2879G>A, p.Arg960Gln (NM_004802.4, NM_194323.3); c.3110G>A, p.Arg1037Gln (NM_194322.3); c.5180G>A (NM_194248.2); short protein forms R1037Q, R1727Q, R960Q.
Identifiers: ClinVar variation 2503869 (VCV002503869.1), dbSNP rs775472304, ClinGen allele CA1562910.

ClinVar aggregate classification (germline): Uncertain significance (1 of 4 stars; one submission).

Allele frequency attached by ClinVar (database versions not stated): gnomAD 0.00001; TOPMed 0.00001.
gnomAD v4.1: 21 of 1,604,508 alleles (0.0013%); highest among the groups gnomAD compares: South Asian, 0.0056%; no homozygotes.

Submission:

Women's Health and Genetics/Laboratory Corporation of America, LabCorp
Classification: Uncertain significance. Last evaluated: 2023-04-25. Review status: criteria provided, single submitter. Criteria: LabCorp Variant Classification Summary - May 2015. Collection method: clinical testing. Allele origin: germline.
Comment: Variant summary: OTOF c.5180G>A (p.Arg1727Gln) results in a conservative amino acid change located in the C2 domain (IPR000008) of the encoded protein sequence. Four of five in-silico tools predict a damaging effect of the variant on protein function. Several computational tools predict a significant impact on normal splicing: three predict the variant creates a 3' acceptor site. However, these predictions have yet to be confirmed by functional studies. The variant allele was found at a frequency of 1.7e-05 in 232346 control chromosomes. The available data on variant occurrences in the general population are insufficient to allow any conclusion about variant significance. c.5180G>A has been reported in the literature in at least one compound heterozygous individual affected with Nonsyndromic Hearing Loss (e.g., Iwasa_2019, Iwasa_2021). These data do not allow any conclusion about variant significance. To our knowledge, no experimental evidence demonstrating an impact on protein function has been reported. The following publications have been ascertained in the context of this evaluation (PMID: 34536124, 31095577). No clinical diagnostic laboratories have submitted clinical-significance assessments for this variant to ClinVar after 2014. Based on the evidence outlined above, the variant was classified as uncertain significance.

Literature cited by the submitters: PubMed 34536124; PubMed 31095577.